The following is an entry in ClinVar:

ClinVar aggregate classification (germline): Conflicting classifications of pathogenicity. Review status: criteria provided, conflicting classifications (1 of 4 stars). 3 submissions from 3 submitters: Uncertain significance (1); Likely benign (2). Last evaluated 2026-06-01.

Conditions:
Inborn genetic diseases. Identifiers: MedGen C0950123, MeSH D030342.

Allele frequency attached by ClinVar (database versions not stated): ExAC 0.00003; gnomAD 0.00004; TOPMed 0.00004; gnomAD exomes 0.00005 and 0.00017; ESP Exome Variant Server 0.00008.
gnomAD v4.1: 250 of 1,610,750 alleles (0.016%); highest among the groups gnomAD compares: Non-Finnish European, 0.021%; no homozygotes.

Submissions (3):

CeGaT Center for Human Genetics Tuebingen
Classification: Likely benign. Last evaluated: 2026-06-01. Review status: criteria provided, single submitter. Criteria: CeGaT Center For Human Genetics Tuebingen Variant Classification Criteria Version 2. Collection method: clinical testing. Allele origin: germline. Affected: yes. Observed: 1 variant allele.
Comment: PACS2: BS1

Labcorp Genetics (formerly Invitae), Labcorp
Classification: Uncertain significance. Last evaluated: 2025-12-30. Review status: criteria provided, single submitter. Criteria: Invitae Variant Classification Sherloc (09022015). Collection method: clinical testing. Allele origin: germline.
Comment: This sequence change replaces valine, which is neutral and non-polar, with alanine, which is neutral and non-polar, at codon 66 of the PACS2 protein (p.Val66Ala). The frequency data for this variant in the population databases is considered unreliable, as metrics indicate poor data quality at this position in the gnomAD database. This variant has not been reported in the literature in individuals affected with PACS2-related conditions. ClinVar contains an entry for this variant (Variation ID: 1481607). An algorithm developed to predict the effect of missense changes on protein structure and function (PolyPhen-2) suggests that this variant is likely to be disruptive. In summary, the available evidence is currently insufficient to determine the role of this variant in disease. Therefore, it has been classified as a Variant of Uncertain Significance.

Ambry Genetics
Classification: Likely benign for Inborn genetic diseases. Last evaluated: 2025-12-04. Review status: criteria provided, single submitter. Criteria: Ambry Variant Classification Scheme 2023. Collection method: clinical testing. Allele origin: germline.

NM_001100913.3(PACS2):c.197T>C (p.Val66Ala)

Gene: PACS2 (phosphofurin acidic cluster sorting protein 2; plus strand). Cytogenetic location: 14q32.33.
Variant type: single nucleotide variant.
Coding change: c.197T>C on transcript NM_001100913.3 (MANE Select); coding-DNA position 197, T replaced by C.
Protein change: p.Val66Ala; replaces valine 66 with alanine.
Molecular consequence: missense variant. On other transcripts: 5 prime UTR variant (1).
Genome position (GRCh38, 1-based): chr14:105,348,570, T>C. VCF-style: chr14-105348570-T-C. GRCh37 (hg19) VCF-style: chr14-105814907-T-C.
Other names: c.-5T>C (NM_001243127.3); c.197T>C, p.Val66Ala (NM_015197.4); c.197T>C (NM_001100913.2); short protein forms V66A.
Identifiers: ClinVar variation 1481607 (VCV001481607.9), dbSNP rs144456854, ClinGen allele CA7388275.